The following is an entry in ClinVar:

ClinVar aggregate classification (germline): Uncertain significance (1 of 4 stars; one submission).

Conditions:
Familial cold autoinflammatory syndrome 4 (FCAS4). Identifiers: Orphanet 47045, Orphanet 576349, MedGen C4015276, MONDO:0014498, OMIM 616115.
Periodic fever-infantile enterocolitis-autoinflammatory syndrome. Also called: Autoinflammation with infantile enterocolitis. Identifiers: Orphanet 436166, MedGen C4015067, MONDO:0014472, OMIM 616050.

Submission:

Labcorp Genetics (formerly Invitae), Labcorp
Classification: Uncertain significance for Periodic fever-infantile enterocolitis-autoinflammatory syndrome; Familial cold autoinflammatory syndrome 4. Last evaluated: 2022-07-05. Review status: criteria provided, single submitter. Criteria: Invitae Variant Classification Sherloc (09022015). Collection method: clinical testing. Allele origin: germline.
Comment: In summary, the available evidence is currently insufficient to determine the role of this variant in disease. Therefore, it has been classified as a Variant of Uncertain Significance. This variant has not been reported in the literature in individuals affected with NLRC4-related conditions. This variant results in a copy number gain of the genomic region encompassing exon(s) 7-9 of the NLRC4 gene. This region includes the termination codon of the gene. This copy number gain extends beyond the assayed region for this gene and therefore may encompass additional genes. As the precise location of this event is unknown, it may be in tandem or it may be located elsewhere in the genome.

NC_000002.11:g.(?_32449542)_(32461428_?)dup

Gene: NLRC4 (NLR family CARD domain containing 4; minus strand). Cytogenetic location: 2p22.3.
Variant type: Duplication.
Identifiers: ClinVar variation 1434043 (VCV001434043.5).